The following is an entry in ClinVar:

ClinVar aggregate classification (germline): Uncertain significance (1 of 4 stars; one submission).

Conditions:
Mucopolysaccharidosis, MPS-III-A (MPS3A). Also called: Mucopolysaccharidosis, type IIIA; mucopolysaccharidosis type 3A; MPS IIIA (Sanfilippo Syndrome Type A); HEPARAN SULFATE SULFATASE DEFICIENCY; Mucopolysaccharidosis type IIIA (Sanfilippo A); SANFILIPPO SYNDROME A. Identifiers: Orphanet 581, Orphanet 79269, MedGen C0086647, MONDO:0009655, OMIM 252900.

Submission:

Labcorp Genetics (formerly Invitae), Labcorp
Classification: Uncertain significance for Mucopolysaccharidosis, MPS-III-A. Last evaluated: 2021-06-02. Review status: criteria provided, single submitter. Criteria: Invitae Variant Classification Sherloc (09022015). Collection method: clinical testing. Allele origin: germline.
Comment: This variant, c.1280_1285del, results in the deletion of 2 amino acid(s) of the SGSH protein (p.Leu427_Arg428del), but otherwise preserves the integrity of the reading frame. This variant is not present in population databases (ExAC no frequency). This variant has not been reported in the literature in individuals with SGSH-related conditions. Experimental studies and prediction algorithms are not available or were not evaluated, and the functional significance of this variant is currently unknown. In summary, the available evidence is currently insufficient to determine the role of this variant in disease. Therefore, it has been classified as a Variant of Uncertain Significance.

NM_000199.5(SGSH):c.1280_1285del (p.Leu427_Arg428del)

Gene: SGSH (N-sulfoglucosamine sulfohydrolase; minus strand). Cytogenetic location: 17q25.3.
Variant type: Deletion.
Coding change: c.1280_1285del on transcript NM_000199.5 (MANE Select); coding-DNA positions 1280 to 1285, 6 bases deleted (TCCGTC; older notation c.1280_1285delTCCGTC).
Protein change: p.Leu427_Arg428del.
Molecular consequence: inframe deletion. On other transcripts: 3 prime UTR variant (2), non-coding transcript variant (1).
Genome position (GRCh38, 1-based): chr17:80,210,676-80,210,681, GACGGA deleted on the plus strand (TCCGTC on the coding strand, the reverse complement: SGSH is on the minus strand); deleting any 6 consecutive bases within chr17:80,210,676-80,210,682 gives the same sequence; the c. name uses the placement nearest the transcript's 3' end. VCF-style (leftmost placement, unchanged base first): chr17-80210675-TGACGGA-T. GRCh37 (hg19) VCF-style: chr17-78184474-TGACGGA-T.
Other names: c.*367_*372del (NM_001352921.3); c.*330_*335del (NM_001352922.2).
Identifiers: ClinVar variation 1387913 (VCV001387913.8), dbSNP rs2144692301, ClinGen allele CA2573155033.
Genomic context (GRCh38, chr17:80,210,675, plus strand): 5'-TGGGTCTCGTGGGGGTCCCGGCTCCGGTCGTAGAGCTCCCAGCGCGCCCGGTAGTAGTAA[TGACGGA>T]GGTCCTTGTACCAGCCCGTGGGCTGACCAGCTGTGGTGCGGTTCAGGAGGTCCTGGAAGG-3'